The following is an entry in ClinVar:

NM_001379500.1(COL18A1):c.367G>A (p.Val123Met)

Gene: COL18A1 (collagen type XVIII alpha 1 chain; plus strand). Cytogenetic location: 21q22.3.
Variant type: single nucleotide variant.
Coding change: c.367G>A on transcript NM_001379500.1 (MANE Select); coding-DNA position 367, G replaced by A.
Protein change: p.Val123Met; replaces valine 123 with methionine.
Molecular consequence: missense variant.
Genome position (GRCh38, 1-based): chr21:45,468,502, G>A. VCF-style: chr21-45468502-G-A. GRCh37 (hg19) VCF-style: chr21-46888416-G-A.
Other names: NM_130445.2:c.367G>A; c.907G>A, p.Val303Met (NM_030582.4); c.1612G>A, p.Val538Met (NM_130444.3); short protein forms V123M, V303M, V538M.
Identifiers: ClinVar variation 1403141 (VCV001403141.5), dbSNP rs376829205, ClinGen allele CA10065732.

ClinVar aggregate classification (germline): Uncertain significance. Review status: criteria provided, multiple submitters, no conflicts (2 of 4 stars). 3 submissions from 3 submitters: Uncertain significance (3). Last evaluated 2024-11-22.

Conditions:
Inborn genetic diseases. Identifiers: MedGen C0950123, MeSH D030342.

Allele frequency attached by ClinVar (database versions not stated): ESP Exome Variant Server 0.00008.

Submissions (3):

Blueprint Genetics
Classification: Uncertain significance. Last evaluated: 2024-11-22. Review status: criteria provided, single submitter. Criteria: ACMG Guidelines, 2015. Collection method: clinical testing. Allele origin: germline.

Ambry Genetics
Classification: Uncertain significance for Inborn genetic diseases. Last evaluated: 2024-03-11. Review status: criteria provided, single submitter. Criteria: Ambry Variant Classification Scheme 2023. Collection method: clinical testing. Allele origin: germline.

Labcorp Genetics (formerly Invitae), Labcorp
Classification: Uncertain significance. Last evaluated: 2022-03-15. Review status: criteria provided, single submitter. Criteria: Invitae Variant Classification Sherloc (09022015). Collection method: clinical testing. Allele origin: germline.
Comment: This sequence change replaces valine, which is neutral and non-polar, with methionine, which is neutral and non-polar, at codon 123 of the COL18A1 protein (p.Val123Met). The frequency data for this variant in the population databases is considered unreliable, as metrics indicate poor data quality at this position in the gnomAD database. This variant has not been reported in the literature in individuals affected with COL18A1-related conditions. Experimental studies and prediction algorithms are not available or were not evaluated, and the functional significance of this variant is currently unknown. In summary, the available evidence is currently insufficient to determine the role of this variant in disease. Therefore, it has been classified as a Variant of Uncertain Significance.